The following is an entry in ClinVar:

NM_021008.4(DEAF1):c.870+5G>A

Gene: DEAF1 (DEAF1 transcription factor; minus strand). Cytogenetic location: 11p15.5.
Variant type: single nucleotide variant.
Coding change: c.870+5G>A on transcript NM_021008.4 (MANE Select); 5 bases into the intron after coding-DNA position 870, G replaced by A.
Molecular consequence: intron variant.
Genome position (GRCh38, 1-based): chr11:684,893, C>T on the plus strand (G>A on the coding strand, the complement: DEAF1 is on the minus strand). VCF-style: chr11-684893-C-T. GRCh37 (hg19) VCF-style: chr11-684893-C-T.
Other names: c.144+5G>A (NM_001367390.1, NM_001440885.1, NM_001440887.1 and 1 more transcripts); c.730+5G>A (NM_001293634.2); c.870+5G>A (NM_001440884.1, NM_001440883.1).
Identifiers: ClinVar variation 2822067 (VCV002822067.3), dbSNP rs2494437791, ClinGen allele CA2739276068.
Genomic context (GRCh38, chr11:684,893, plus strand): 5'-TGGGACCCACTCAGCCGCCCCCAGCCCCACCAAGTCATCCTGTTCCAGACACGCTGGCCA[C>T]TTACTAAGGTCATGTCGTCGCAGCAGGCAGCACAGGTGCAAGAGGCAGCGTGAGGGTTTA-3'

ClinVar aggregate classification (germline): Pathogenic (1 of 4 stars; one submission).

Submission:

Labcorp Genetics (formerly Invitae), Labcorp
Classification: Pathogenic. Last evaluated: 2023-01-19. Review status: criteria provided, single submitter. Criteria: Invitae Variant Classification Sherloc (09022015). Collection method: clinical testing. Allele origin: germline.
Comment: For these reasons, this variant has been classified as Pathogenic. Variants that disrupt the consensus splice site are a relatively common cause of aberrant splicing (PMID: 17576681, 9536098). Algorithms developed to predict the effect of sequence changes on RNA splicing suggest that this variant may disrupt the consensus splice site. This variant has been observed in individual(s) with clinical features of autosomal dominant DEAF1-related conditions (Invitae). In at least one individual the variant was observed to be de novo. This variant is not present in population databases (gnomAD no frequency). This sequence change falls in intron 6 of the DEAF1 gene. It does not directly change the encoded amino acid sequence of the DEAF1 protein. It affects a nucleotide within the consensus splice site.

Literature cited by the submitters: PubMed 17576681; PubMed 9536098.